The following is an entry in ClinVar:

NM_004714.3(DYRK1B):c.726C>G (p.Pro242=)

Gene: DYRK1B (dual specificity tyrosine phosphorylation regulated kinase 1B; minus strand). Cytogenetic location: 19q13.2.
Variant type: single nucleotide variant.
Coding change: c.726C>G on transcript NM_004714.3 (MANE Select); coding-DNA position 726, C replaced by G.
Protein change: p.Pro242=; no amino-acid change (proline 242 retained).
Molecular consequence: synonymous variant.
Genome position (GRCh38, 1-based): chr19:39,828,378, G>C on the plus strand (C>G on the coding strand, the complement: DYRK1B is on the minus strand). VCF-style: chr19-39828378-G-C. GRCh37 (hg19) VCF-style: chr19-40319018-G-C.
Other names: c.726C>G, p.Pro242= (NM_006483.3, NM_006484.3).
Identifiers: ClinVar variation 4990269 (VCV004990269.1).

ClinVar aggregate classification (germline): Likely benign (1 of 4 stars; one submission).

Conditions:
DYRK1B-related disorder. Also called: DYRK1B-related condition.

gnomAD v4.1: 3 of 1,614,116 alleles (0.00019%); highest among the groups gnomAD compares: Non-Finnish European, 0.00025%; no homozygotes.

Submission:

PreventionGenetics, part of Exact Sciences
Classification: Likely benign for DYRK1B-related condition. Last evaluated: 2025-06-18. Review status: criteria provided, single submitter. Criteria: ACMG Guidelines, 2015. Collection method: clinical testing. Allele origin: germline.
Comment: This variant is classified as likely benign based on ACMG/AMP sequence variant interpretation guidelines (Richards et al. 2015 PMID: 25741868, with internal and published modifications).